The following is an entry in ClinVar:

ClinVar aggregate classification (germline): Uncertain significance. Review status: criteria provided, multiple submitters, no conflicts (2 of 4 stars). 2 submissions from 2 submitters: Uncertain significance (2). Last evaluated 2025-08-22.

Conditions:
Developmental and epileptic encephalopathy, 82. Also called: EPILEPTIC ENCEPHALOPATHY, EARLY INFANTILE, 82; GLUTAMATE OXALOACETATE TRANSAMINASE, MITOCHONDRIAL, DEFICIENCY OF; GOT2 DEFICIENCY. Identifiers: MedGen C5231473, MONDO:0032880, OMIM 618721.

Allele frequency attached by ClinVar (database versions not stated): gnomAD 0.00002; TOPMed 0.00003; ExAC 0.00001; gnomAD exomes 0.00007.
gnomAD v4.1: 105 of 1,613,714 alleles (0.0065%); highest among the groups gnomAD compares: Non-Finnish European, 0.0086%; no homozygotes.

Submissions (2):

Labcorp Genetics (formerly Invitae), Labcorp
Classification: Uncertain significance. Last evaluated: 2025-08-22. Review status: criteria provided, single submitter. Criteria: Invitae Variant Classification Sherloc (09022015). Collection method: clinical testing. Allele origin: germline.
Comment: This sequence change replaces leucine, which is neutral and non-polar, with phenylalanine, which is neutral and non-polar, at codon 362 of the GOT2 protein (p.Leu362Phe). This variant is present in population databases (rs753394924, gnomAD 0.004%). This variant has not been reported in the literature in individuals affected with GOT2-related conditions. ClinVar contains an entry for this variant (Variation ID: 2570661). Invitae Evidence Modeling of protein sequence and biophysical properties (such as structural, functional, and spatial information, amino acid conservation, physicochemical variation, residue mobility, and thermodynamic stability) indicates that this missense variant is expected to disrupt GOT2 protein function with a positive predictive value of 80%. In summary, the available evidence is currently insufficient to determine the role of this variant in disease. Therefore, it has been classified as a Variant of Uncertain Significance.

HudsonAlpha Institute for Biotechnology
Classification: Uncertain significance for Developmental and epileptic encephalopathy, 82. Last evaluated: 2023-05-03. Review status: criteria provided, single submitter. Criteria: ACMG Guidelines, 2015. Collection method: research. Allele origin: paternal. Observed: 2 variant alleles. Study: CSER-HudsonAlpha.

NM_002080.4(GOT2):c.1084C>T (p.Leu362Phe)

Gene: GOT2 (glutamic-oxaloacetic transaminase 2; minus strand). Cytogenetic location: 16q21.
Variant type: single nucleotide variant.
Coding change: c.1084C>T on transcript NM_002080.4 (MANE Select); coding-DNA position 1084, C replaced by T.
Protein change: p.Leu362Phe; replaces leucine 362 with phenylalanine.
Molecular consequence: missense variant.
Genome position (GRCh38, 1-based): chr16:58,709,503, G>A on the plus strand (C>T on the coding strand, the complement: GOT2 is on the minus strand). VCF-style: chr16-58709503-G-A. GRCh37 (hg19) VCF-style: chr16-58743407-G-A.
Other names: c.955C>T, p.Leu319Phe (NM_001286220.2); short protein forms L319F, L362F.
Identifiers: ClinVar variation 2570661 (VCV002570661.2), dbSNP rs753394924, ClinGen allele CA8090856.